The following is an entry in ClinVar:

ClinVar aggregate classification (germline): Uncertain significance (1 of 4 stars; one submission).

Conditions:
Familial sleep-related hypermotor epilepsy. Also called: Autosomal Dominant Sleep-Related Hypermotor (Hyperkinetic) Epilepsy. Identifiers: Orphanet 98784, MedGen C3696898, MONDO:0000030.

Submission:

Labcorp Genetics (formerly Invitae), Labcorp
Classification: Uncertain significance. Last evaluated: 2023-06-04. Review status: criteria provided, single submitter. Criteria: Invitae Variant Classification Sherloc (09022015). Collection method: clinical testing. Allele origin: germline.
Comment: This sequence change replaces glutamic acid, which is acidic and polar, with aspartic acid, which is acidic and polar, at codon 270 of the CHRNA4 protein (p.Glu270Asp). This variant is not present in population databases (gnomAD no frequency). This variant has not been reported in the literature in individuals affected with CHRNA4-related conditions. Algorithms developed to predict the effect of missense changes on protein structure and function output the following: SIFT: "Not Available"; PolyPhen-2: "Benign"; Align-GVGD: "Not Available". The aspartic acid amino acid residue is found in multiple mammalian species, which suggests that this missense change does not adversely affect protein function. In summary, the available evidence is currently insufficient to determine the role of this variant in disease. Therefore, it has been classified as a Variant of Uncertain Significance.

NM_000744.7(CHRNA4):c.810G>T (p.Glu270Asp)

Gene: CHRNA4 (cholinergic receptor nicotinic alpha 4 subunit; minus strand). Cytogenetic location: 20q13.33.
Variant type: single nucleotide variant.
Coding change: c.810G>T on transcript NM_000744.7 (MANE Select); coding-DNA position 810, G replaced by T.
Protein change: p.Glu270Asp; replaces glutamic acid 270 with aspartic acid.
Molecular consequence: missense variant. On other transcripts: non-coding transcript variant (1).
Genome position (GRCh38, 1-based): chr20:63,350,601, C>A on the plus strand (G>T on the coding strand, the complement: CHRNA4 is on the minus strand). VCF-style: chr20-63350601-C-A. GRCh37 (hg19) VCF-style: chr20-61981953-C-A.
Other names: c.282G>T, p.Glu94Asp (NM_001256573.2); short protein forms E94D, E270D.
Identifiers: ClinVar variation 2765814 (VCV002765814.3), dbSNP rs2123472324, ClinGen allele CA409636646.